The following is an entry in ClinVar:

NM_032408.4(BAZ1B):c.2160G>C (p.Glu720Asp)

Gene: BAZ1B (bromodomain adjacent to zinc finger domain 1B; minus strand). Cytogenetic location: 7q11.23.
Variant type: single nucleotide variant.
Coding change: c.2160G>C on transcript NM_032408.4 (MANE Select); coding-DNA position 2160, G replaced by C.
Protein change: p.Glu720Asp; replaces glutamic acid 720 with aspartic acid.
Molecular consequence: missense variant.
Genome position (GRCh38, 1-based): chr7:73,477,301, C>G on the plus strand (G>C on the coding strand, the complement: BAZ1B is on the minus strand). VCF-style: chr7-73477301-C-G. GRCh37 (hg19) VCF-style: chr7-72891631-C-G.
Other names: c.2160G>C, p.Glu720Asp (NM_001370402.1); short protein forms E720D.
Identifiers: ClinVar variation 959746 (VCV000959746.12), dbSNP rs1441532708, ClinGen allele CA367808310.

ClinVar aggregate classification (germline): Uncertain significance. Review status: criteria provided, multiple submitters, no conflicts (2 of 4 stars). 2 submissions from 2 submitters: Uncertain significance (2). Last evaluated 2024-07-14.

Allele frequency attached by ClinVar (database versions not stated): gnomAD 0.00001 and 0.00002; TOPMed 0.00002.
gnomAD v4.1: 28 of 1,614,134 alleles (0.0017%); highest among the groups gnomAD compares: Non-Finnish European, 0.0024%; no homozygotes.

Submissions (2):

Ambry Genetics
Classification: Uncertain significance. Last evaluated: 2024-07-14. Review status: criteria provided, single submitter. Criteria: Ambry Variant Classification Scheme 2023. Collection method: clinical testing. Allele origin: germline.

Labcorp Genetics (formerly Invitae), Labcorp
Classification: Uncertain significance. Last evaluated: 2019-11-16. Review status: criteria provided, single submitter. Criteria: Invitae Variant Classification Sherloc (09022015). Collection method: clinical testing. Allele origin: germline.
Comment: This sequence change replaces glutamic acid with aspartic acid at codon 720 of the BAZ1B protein (p.Glu720Asp). The glutamic acid residue is highly conserved and there is a small physicochemical difference between glutamic acid and aspartic acid. This variant is not present in population databases (ExAC no frequency). This variant has not been reported in the literature in individuals with BAZ1B-related conditions. Algorithms developed to predict the effect of missense changes on protein structure and function (SIFT, PolyPhen-2, Align-GVGD) all suggest that this variant is likely to be tolerated, but these predictions have not been confirmed by published functional studies and their clinical significance is uncertain. In summary, the available evidence is currently insufficient to determine the role of this variant in disease. Therefore, it has been classified as a Variant of Uncertain Significance.